The following is an entry in ClinVar:

ClinVar aggregate classification (germline): Uncertain significance (1 of 4 stars; one submission).

Conditions:
Transcobalamin II deficiency (TCN2D). Also called: Transcolabamin II deficiency; TC II DEFICIENCY; TCN2 DEFICIENCY. Identifiers: Orphanet 859, MedGen C0342701, MONDO:0010149, OMIM 275350.

Allele frequency attached by ClinVar (database versions not stated): ExAC 0.00002; gnomAD 0.00002; gnomAD exomes 0.00002; TOPMed 0.00003.

Submission:

Labcorp Genetics (formerly Invitae), Labcorp
Classification: Uncertain significance for Transcobalamin II deficiency. Last evaluated: 2025-10-01. Review status: criteria provided, single submitter. Criteria: Invitae Variant Classification Sherloc (09022015). Collection method: clinical testing. Allele origin: germline.
Comment: This sequence change replaces arginine, which is basic and polar, with tryptophan, which is neutral and slightly polar, at codon 218 of the TCN2 protein (p.Arg218Trp). This variant is present in population databases (rs754057087, gnomAD 0.003%), including at least one homozygous and/or hemizygous individual. This variant has not been reported in the literature in individuals affected with TCN2-related conditions. ClinVar contains an entry for this variant (Variation ID: 1055524). Invitae Evidence Modeling of protein sequence and biophysical properties (such as structural, functional, and spatial information, amino acid conservation, physicochemical variation, residue mobility, and thermodynamic stability) has been performed for this missense variant. However, the output from this modeling did not meet the statistical confidence thresholds required to predict the impact of this variant on TCN2 protein function. In summary, the available evidence is currently insufficient to determine the role of this variant in disease. Therefore, it has been classified as a Variant of Uncertain Significance.

NM_000355.4(TCN2):c.652C>T (p.Arg218Trp)

Gene: TCN2 (transcobalamin 2; plus strand). Cytogenetic location: 22q12.2.
Variant type: single nucleotide variant.
Coding change: c.652C>T on transcript NM_000355.4 (MANE Select); coding-DNA position 652, C replaced by T.
Protein change: p.Arg218Trp; replaces arginine 218 with tryptophan.
Molecular consequence: missense variant.
Genome position (GRCh38, 1-based): chr22:30,615,372, C>T. VCF-style: chr22-30615372-C-T. GRCh37 (hg19) VCF-style: chr22-31011359-C-T.
Other names: c.571C>T, p.Arg191Trp (NM_001184726.2); short protein forms R191W, R218W.
Identifiers: ClinVar variation 1055524 (VCV001055524.5), dbSNP rs754057087, ClinGen allele CA10184766.